The following is an entry in ClinVar:

ClinVar aggregate classification (germline): Conflicting classifications of pathogenicity. Review status: criteria provided, conflicting classifications (1 of 4 stars). 7 submissions from 6 submitters: Uncertain significance (2); Likely benign (5). Last evaluated 2026-01-08.

Conditions:
Hereditary cancer-predisposing syndrome. Also called: Tumor predisposition; Hereditary neoplastic syndrome; Hereditary Cancer Syndrome; Neoplastic Syndromes, Hereditary. Identifiers: Orphanet 140162, MedGen C0027672, MeSH D009386, MONDO:0015356.
Holoprosencephaly 7 (HPE7). Identifiers: Orphanet 2162, MedGen C1835820, MONDO:0012562, OMIM 610828.
Gorlin syndrome. Also called: Nevoid Basal Cell Carcinoma Syndrome; Basal cell nevus syndrome. Identifiers: Orphanet 377, MedGen C0004779, MONDO:0007187.

Allele frequency attached by ClinVar (database versions not stated): gnomAD 0.00001; gnomAD exomes 0.00001 and 0.00002; TOPMed 0.00001; ExAC 0.00003.
gnomAD v4.1: 15 of 1,613,344 alleles (0.00093%); highest among the groups gnomAD compares: Non-Finnish European, 0.0012%; no homozygotes.

Submissions (7):

Labcorp Genetics (formerly Invitae), Labcorp
Classification: Likely benign for Gorlin syndrome. Last evaluated: 2026-01-08. Review status: criteria provided, single submitter. Criteria: Invitae Variant Classification Sherloc (09022015). Collection method: clinical testing. Allele origin: germline.

Women's Health and Genetics/Laboratory Corporation of America, LabCorp
Classification: Likely benign. Last evaluated: 2025-11-26. Review status: criteria provided, single submitter. Criteria: LabCorp Variant Classification Summary - May 2015. Collection method: clinical testing. Allele origin: germline.

CeGaT Center for Human Genetics Tuebingen
Classification: Likely benign. Last evaluated: 2024-06-01. Review status: criteria provided, single submitter. Criteria: CeGaT Center For Human Genetics Tuebingen Variant Classification Criteria Version 2. Collection method: clinical testing. Allele origin: germline. Affected: yes. Observed: 1 variant allele.
Comment: PTCH1: BP4, BP7

Blueprint Genetics
Classification: Likely benign. Last evaluated: 2023-11-02. Review status: criteria provided, single submitter. Criteria: ACMG Guidelines, 2015. Collection method: clinical testing. Allele origin: germline.

Illumina Laboratory Services, Illumina
Classification: Uncertain significance for Basal cell nevus syndrome 1. Last evaluated: 2018-01-12. Review status: criteria provided, single submitter. Criteria: ICSL Variant Classification Criteria 13 December 2019. Collection method: clinical testing. Allele origin: germline.

Illumina Laboratory Services, Illumina
Classification: Uncertain significance for Holoprosencephaly 7. Last evaluated: 2018-01-12. Review status: criteria provided, single submitter. Criteria: ICSL Variant Classification Criteria 13 December 2019. Collection method: clinical testing. Allele origin: germline.

Ambry Genetics
Classification: Likely benign for Hereditary cancer-predisposing syndrome. Last evaluated: 2017-12-18. Review status: criteria provided, single submitter. Criteria: Ambry Variant Classification Scheme 2023. Collection method: clinical testing. Allele origin: germline.

NM_000264.5(PTCH1):c.777C>T (p.Phe259=)

Gene: PTCH1 (patched 1; minus strand). Cytogenetic location: 9q22.32.
Variant type: single nucleotide variant.
Coding change: c.777C>T on transcript NM_000264.5 (MANE Select); coding-DNA position 777, C replaced by T.
Protein change: p.Phe259=; no amino-acid change (phenylalanine 259 retained).
Molecular consequence: synonymous variant. On other transcripts: non-coding transcript variant (1).
Genome position (GRCh38, 1-based): chr9:95,480,558, G>A on the plus strand (C>T on the coding strand, the complement: PTCH1 is on the minus strand). VCF-style: chr9-95480558-G-A. GRCh37 (hg19) VCF-style: chr9-98242840-G-A.
Other names: c.579C>T, p.Phe193= (NM_001083602.3); c.774C>T, p.Phe258= (NM_001083603.3); c.324C>T, p.Phe108= (NM_001083604.3, NM_001083605.3, NM_001083606.3 and 1 more transcripts); c.777C>T, p.Phe259= (NM_001354918.2).
Identifiers: ClinVar variation 415493 (VCV000415493.39), dbSNP rs750313305, ClinGen allele CA5138841.